The following is an entry in ClinVar:

ClinVar aggregate classification (germline): Pathogenic (1 of 4 stars; one submission).

Conditions:
Mucopolysaccharidosis, MPS-III-C (MPS3C). Also called: SANFILIPPO SYNDROME C; MPS III C; MUCOPOLYSACCHARIDOSIS, TYPE IIIC; Mucopolysaccharidosis type IIIC (Sanfilippo C); mucopolysaccharidosis type 3C; MPS IIIC (Sanfilippo Syndrome Type C). Identifiers: Orphanet 581, Orphanet 79271, MedGen C0086649, MONDO:0009657, OMIM 252930.

Submission:

Myriad Genetics, Inc.
Classification: Pathogenic for Mucopolysaccharidosis, MPS-III-C. Last evaluated: 2023-08-18. Review status: criteria provided, single submitter. Criteria: Myriad Autosomal Dominant, Autosomal Recessive and X-Linked Classification Criteria (2023). Collection method: clinical testing. Allele origin: unknown.
Comment: NM_152419.2(HGSNAT):c.1593_1596del4ins12(P532Vfs*5) is expected to be pathogenic in the context of mucopolysaccharidosis type IIIC. This variant is predicted to lead to an abnormal or absent protein product due to the creation of a premature termination codon in HGSNAT, a gene where loss-of-function variants are known to be pathogenic. Please note: this variant was assessed in the context of healthy population screening.

NM_152419.3(HGSNAT):c.1593_1596delinsCGTCGTGCTGCT (p.Pro532fs)

Gene: HGSNAT (heparan-alpha-glucosaminide N-acetyltransferase; plus strand). Cytogenetic location: 8p11.21.
Variant type: Indel.
Coding change: c.1593_1596delinsCGTCGTGCTGCT on transcript NM_152419.3 (MANE Select); coding-DNA positions 1593 to 1596, TCCA replaced by CGTCGTGCTGCT.
Protein change: p.Pro532fs; shifts the reading frame from proline 532.
Molecular consequence: frameshift variant.
Genome position (GRCh38, 1-based): chr8:43,197,722-43,197,725, TCCA replaced by CGTCGTGCTGCT. VCF-style: chr8-43197722-TCCA-CGTCGTGCTGCT. GRCh37 (hg19) VCF-style: chr8-43052865-TCCA-CGTCGTGCTGCT.
Other names: c.1680_1683delinsCGTCGTGCTGCT, p.Pro561fs (NM_001363227.2); c.1401_1404delinsCGTCGTGCTGCT, p.Pro468fs (NM_001363228.2); c.729_732delinsCGTCGTGCTGCT, p.Pro244fs (NM_001363229.2); short protein forms P244fs, P468fs, P532fs, P561fs.
Identifiers: ClinVar variation 5011388 (VCV005011388.1).